The following is an entry in ClinVar:

NM_152424.4(AMER1):c.3267G>T (p.Arg1089Ser)

Gene: AMER1 (APC membrane recruitment protein 1; minus strand). Cytogenetic location: Xq11.2.
Variant type: single nucleotide variant.
Coding change: c.3267G>T on transcript NM_152424.4 (MANE Select); coding-DNA position 3267, G replaced by T.
Protein change: p.Arg1089Ser; replaces arginine 1089 with serine.
Molecular consequence: missense variant.
Genome position (GRCh38, 1-based): chrX:64,190,020, C>A on the plus strand (G>T on the coding strand, the complement: AMER1 is on the minus strand). VCF-style: chrX-64190020-C-A. GRCh37 (hg19) VCF-style: chrX-63409900-C-A.
Other names: short protein forms R1089S.
Identifiers: ClinVar variation 4975307 (VCV004975307.1).

ClinVar aggregate classification (germline): Uncertain significance (1 of 4 stars; one submission).

gnomAD v4.1: 2 of 1,205,123 alleles (0.00017%); highest among the groups gnomAD compares: Non-Finnish European, 0.00022%; no homozygotes.

Submission:

GeneDx
Classification: Uncertain significance. Last evaluated: 2026-01-23. Review status: criteria provided, single submitter. Criteria: GeneDx Variant Classification Process June 2021. Collection method: clinical testing. Allele origin: germline.
Comment: Not observed at significant frequency in large population cohorts (gnomAD); In silico analysis suggests that this missense variant does not alter protein structure/function; Has not been previously published as pathogenic or benign to our knowledge